The following is an entry in ClinVar:

ClinVar aggregate classification (germline): Uncertain significance. Review status: criteria provided, multiple submitters, no conflicts (2 of 4 stars). 6 submissions from 6 submitters: Uncertain significance (6). Last evaluated 2025-11-25.

Conditions:
Hereditary cancer-predisposing syndrome. Also called: Neoplastic Syndromes, Hereditary; Hereditary neoplastic syndrome; Hereditary Cancer Syndrome; Tumor predisposition. Identifiers: Orphanet 140162, MedGen C0027672, MeSH D009386, MONDO:0015356.
CHEK2-related cancer predisposition (TPDS4). Also called: TUMOR PREDISPOSITION SYNDROME 4; CANCER PREDISPOSITION SYNDROME, CHEK2-RELATED; CHEK2-related cancer susceptibility. Identifiers: Orphanet 524, MedGen C5882668, MONDO:0700271, OMIM 609265.
Familial cancer of breast. Also called: BREAST CANCER, FAMILIAL; hereditary breast carcinoma; Hereditary breast cancer. Identifiers: Orphanet 227535, MedGen C0346153, MONDO:0016419, OMIM 114480. Disease mechanism: loss of function.

Allele frequency attached by ClinVar (database versions not stated): gnomAD exomes 0.00001 and 0.00002; ExAC 0.00002; gnomAD 0.00002 and 0.00003; TOPMed 0.00002; 1000 Genomes Project 0.00020; 1000 Genomes Project 30x 0.00031.

Submissions (6):

Ambry Genetics
Classification: Uncertain significance for Hereditary cancer-predisposing syndrome. Last evaluated: 2025-11-25. Review status: criteria provided, single submitter. Criteria: Ambry Variant Classification Scheme 2023. Collection method: clinical testing. Allele origin: germline.
Comment: The p.L99F variant (also known as c.295C>T), located in coding exon 1 of the CHEK2 gene, results from a C to T substitution at nucleotide position 295. The leucine at codon 99 is replaced by phenylalanine, an amino acid with highly similar properties. This alteration was reported as functional in a study assessing CHEK2-complementation through quantification of KAP1 phosphorylation and CHK2 autophosphorylation in human RPE1-CHEK2-knockout cells (Stolarova L et al. Clin Cancer Res, 2023 Aug;29:3037-3050). This amino acid position is highly conserved in available vertebrate species. In addition, the in silico prediction for this alteration is inconclusive. Since supporting evidence is limited at this time, the clinical significance of this alteration remains unclear.

Labcorp Genetics (formerly Invitae), Labcorp
Classification: Uncertain significance for Familial cancer of breast. Last evaluated: 2025-11-20. Review status: criteria provided, single submitter. Criteria: Invitae Variant Classification Sherloc (09022015). Collection method: clinical testing. Allele origin: germline.
Comment: This sequence change replaces leucine, which is neutral and non-polar, with phenylalanine, which is neutral and non-polar, at codon 99 of the CHEK2 protein (p.Leu99Phe). This variant is present in population databases (rs537051622, gnomAD 0.03%). This variant has not been reported in the literature in individuals affected with CHEK2-related conditions. ClinVar contains an entry for this variant (Variation ID: 449723). An algorithm developed to predict the effect of missense changes on protein structure and function (PolyPhen-2) suggests that this variant is likely to be disruptive. In summary, the available evidence is currently insufficient to determine the role of this variant in disease. Therefore, it has been classified as a Variant of Uncertain Significance.

GeneDx
Classification: Uncertain significance. Last evaluated: 2024-11-19. Review status: criteria provided, single submitter. Criteria: GeneDx Variant Classification Process June 2021. Collection method: clinical testing. Allele origin: germline. Affected: yes.
Comment: Observed in individuals with breast cancer (PMID: 37449874); Published functional studies demonstrate no damaging effect: KAP1 and CHK2 kinase activity comparable to wild-type (PMID: 37449874); In silico analysis supports that this missense variant has a deleterious effect on protein structure/function; This variant is associated with the following publications: (PMID: 37449874, 19782031, 22419737)

Women's Health and Genetics/Laboratory Corporation of America, LabCorp
Classification: Uncertain significance. Last evaluated: 2021-12-07. Review status: criteria provided, single submitter. Criteria: LabCorp Variant Classification Summary - May 2015. Collection method: clinical testing. Allele origin: germline.
Comment: Variant summary: CHEK2 c.295C>T (p.Leu99Phe) results in a non-conservative amino acid change located in the Forkhead-associated (FHA) domain (IPR000253) of the encoded protein sequence. Four of five in-silico tools predict a damaging effect of the variant on protein function. The variant allele was found at a frequency of 2.4e-05 in 251170 control chromosomes (gnomAD). The available data on variant occurrences in the general population are insufficient to allow any conclusion about variant significance. To our knowledge, no occurrence of c.295C>T in individuals affected with Hereditary Breast And Ovarian Cancer Syndrome and no experimental evidence demonstrating its impact on protein function have been reported. Four clinical diagnostic laboratories have submitted clinical-significance assessments for this variant to ClinVar after 2014 and classified the variant as uncertain significance. Based on the evidence outlined above, the variant was classified as uncertain significance.

Department of Pathology and Laboratory Medicine, Sinai Health System
Classification: Uncertain significance for CHEK2-related cancer predisposition. Last evaluated: 2020-07-28. Review status: criteria provided, single submitter. Criteria: ACMG Guidelines, 2015. Collection method: clinical testing. Allele origin: germline. Affected: yes.

Color Diagnostics, LLC DBA Color Health
Classification: Uncertain significance for Hereditary cancer-predisposing syndrome. Last evaluated: 2019-03-05. Review status: criteria provided, single submitter. Criteria: ACMG Guidelines, 2015. Collection method: clinical testing. Allele origin: germline.

Literature cited by the submitters: PubMed 37449874 (cited by Ambry Genetics).

NM_007194.4(CHEK2):c.295C>T (p.Leu99Phe)

Gene: CHEK2 (checkpoint kinase 2; minus strand). Cytogenetic location: 22q12.1.
Variant type: single nucleotide variant.
Coding change: c.295C>T on transcript NM_007194.4 (MANE Select); coding-DNA position 295, C replaced by T.
Protein change: p.Leu99Phe; replaces leucine 99 with phenylalanine.
Molecular consequence: missense variant.
Genome position (GRCh38, 1-based): chr22:28,734,427, G>A on the plus strand (C>T on the coding strand, the complement: CHEK2 is on the minus strand). VCF-style: chr22-28734427-G-A. GRCh37 (hg19) VCF-style: chr22-29130415-G-A.
Other names: c.295C>T, p.Leu99Phe (NM_001005735.3, NM_001349956.3, NM_145862.3); c.-483C>T (NM_001257387.3); short protein forms L99F.
Identifiers: ClinVar variation 449723 (VCV000449723.22), dbSNP rs537051622, ClinGen allele CA10168047.